The following is an entry in ClinVar:

NM_001039706.3(CFAP69):c.1116C>T (p.Asn372=)

Gene: CFAP69 (cilia and flagella associated protein 69; plus strand). Cytogenetic location: 7q21.13.
Variant type: single nucleotide variant.
Coding change: c.1116C>T on transcript NM_001039706.3 (MANE Select); coding-DNA position 1116, C replaced by T.
Protein change: p.Asn372=; no amino-acid change (asparagine 372 retained).
Molecular consequence: synonymous variant.
Genome position (GRCh38, 1-based): chr7:90,277,295, C>T. VCF-style: chr7-90277295-C-T. GRCh37 (hg19) VCF-style: chr7-89906609-C-T.
Other names: c.1062C>T, p.Asn354= (NM_001160138.2); c.1116C>T, p.Asn372= (NM_001363438.1).
Identifiers: ClinVar variation 3060732 (VCV003060732.2), dbSNP rs3761805, ClinGen allele CA4333464.
Genomic context (GRCh38, chr7:90,277,295, plus strand): 5'-AAAAGGACTTAAGCTTTCTAATTCCTATGAAGATTTTGAGTTGAAGAAATTACTATTCAA[C>T]GTAATTGTGATCTTATGTAAAGATTTACCTACTGTACAGGTAAAGAGTAATCAAGGCAGG-3'
Protein context (NP_001034795.2, residues 362-382): EDFELKKLLF[Asn372=]VIVILCKDLP

ClinVar aggregate classification (germline): Benign (0 of 4 stars; one submission).

Conditions:
CFAP69-related disorder. Also called: CFAP69-related condition.

Allele frequency attached by ClinVar (database versions not stated): gnomAD exomes 0.21277; ESP Exome Variant Server 0.23672; gnomAD 0.28005; 1000 Genomes Project 0.40375; ExAC 0.28368; TOPMed 0.29600; 1000 Genomes Project 30x 0.40100.
gnomAD v4.1: 348,482 of 1,580,284 alleles (22%); highest among the groups gnomAD compares: East Asian, 69%; 46,848 homozygotes.

Submission:

PreventionGenetics, part of Exact Sciences
Classification: Benign for CFAP69-related condition. Last evaluated: 2019-10-21. Review status: no assertion criteria provided. Collection method: clinical testing. Allele origin: germline.
Comment: This variant is classified as benign based on ACMG/AMP sequence variant interpretation guidelines (Richards et al. 2015 PMID: 25741868, with internal and published modifications).